The following is an entry in ClinVar:

ClinVar aggregate classification (germline): Uncertain significance. Review status: criteria provided, multiple submitters, no conflicts (2 of 4 stars). 2 submissions from 2 submitters: Uncertain significance (2). Last evaluated 2020-11-02.

Conditions:
Cranioectodermal dysplasia 2 (CED2). Identifiers: Orphanet 1515, MedGen C3150874, MONDO:0013323, OMIM 613610.
Short-rib thoracic dysplasia 7 with or without polydactyly (SRTD7). Also called: Short rib polydactyly syndrome 5; SHORT-RIB THORACIC DYSPLASIA 7 WITH POLYDACTYLY. Identifiers: Orphanet 498497, Orphanet 93271, MedGen C3279792, MONDO:0013569, OMIM 614091.

Allele frequency attached by ClinVar (database versions not stated): gnomAD 0.00001; TOPMed 0.00001; ExAC 0.00002; gnomAD exomes 0.00002 and 0.00003.
gnomAD v4.1: 47 of 1,612,826 alleles (0.0029%); highest among the groups gnomAD compares: Admixed American, 0.005%; no homozygotes.

Submissions (2):

GeneDx
Classification: Uncertain significance. Last evaluated: 2020-11-02. Review status: criteria provided, single submitter. Criteria: GeneDx Variant Classification Process June 2021. Collection method: clinical testing. Allele origin: germline. Affected: yes.
Comment: In silico analysis, which includes protein predictors and evolutionary conservation, supports a deleterious effect; Has not been previously published as pathogenic or benign to our knowledge

Labcorp Genetics (formerly Invitae), Labcorp
Classification: Uncertain significance for Cranioectodermal dysplasia 2; Short-rib thoracic dysplasia 7 with or without polydactyly. Last evaluated: 2020-04-01. Review status: criteria provided, single submitter. Criteria: Invitae Variant Classification Sherloc (09022015). Collection method: clinical testing. Allele origin: germline.
Comment: Algorithms developed to predict the effect of missense changes on protein structure and function are either unavailable or do not agree on the potential impact of this missense change (SIFT: "Tolerated"; PolyPhen-2: "Probably Damaging"; Align-GVGD: "Class C0"). In summary, the available evidence is currently insufficient to determine the role of this variant in disease. Therefore, it has been classified as a Variant of Uncertain Significance. This sequence change replaces proline with serine at codon 853 of the WDR35 protein (p.Pro853Ser). The proline residue is highly conserved and there is a moderate physicochemical difference between proline and serine. This variant is present in population databases (rs777217654, ExAC 0.009%). This variant has not been reported in the literature in individuals with WDR35-related conditions. ClinVar contains an entry for this variant (Variation ID: 451431).

NM_020779.4(WDR35):c.2524C>T (p.Pro842Ser)

Gene: WDR35 (WD repeat domain 35; minus strand). Cytogenetic location: 2p24.1.
Variant type: single nucleotide variant.
Coding change: c.2524C>T on transcript NM_020779.4 (MANE Select); coding-DNA position 2524, C replaced by T.
Protein change: p.Pro842Ser; replaces proline 842 with serine.
Molecular consequence: missense variant.
Genome position (GRCh38, 1-based): chr2:19,935,494, G>A on the plus strand (C>T on the coding strand, the complement: WDR35 is on the minus strand). VCF-style: chr2-19935494-G-A. GRCh37 (hg19) VCF-style: chr2-20135255-G-A.
Other names: c.2557C>T, p.Pro853Ser (NM_001006657.2); short protein forms P853S, P842S.
Identifiers: ClinVar variation 451431 (VCV000451431.12), dbSNP rs777217654, ClinGen allele CA1542925.